The following is an entry in ClinVar:

ClinVar aggregate classification (germline): Pathogenic. Review status: criteria provided, multiple submitters, no conflicts (2 of 4 stars). 15 submissions from 15 submitters: Pathogenic (13). 2 of the submissions do not count toward it. Last evaluated 2025-10-31.

Conditions:
TTPA-related disorder. Also called: TTPA-related condition.
Familial isolated deficiency of vitamin E (AVED). Also called: ATAXIA, FRIEDREICH-LIKE, WITH SELECTIVE VITAMIN E DEFICIENCY; Ataxia with isolated vitamin E deficiency. Identifiers: Orphanet 96, MedGen C1848533, MONDO:0010188, OMIM 277460.
ATAXIA, FRIEDREICH-LIKE, WITH ISOLATED VITAMIN E DEFICIENCY. Identifiers: MedGen C4016662.

Submissions (15):

PreventionGenetics, part of Exact Sciences
Classification: Pathogenic for TTPA-related condition. Last evaluated: 2025-10-31. Review status: criteria provided, single submitter. Criteria: ACMG Guidelines, 2015. Collection method: clinical testing. Allele origin: germline.
Comment: The TTPA c.744delA variant is predicted to result in a frameshift and premature protein termination (p.Glu249Asnfs*15). This variant has been reported in multiple individuals with Ataxia with vitamin E deficiency (Ouahchi et al. 1995. PubMed ID: 7719340; Hamza et al. 2015. PubMed ID: 26068213; Coutelier et al. 2018. PubMed ID: 29482223). This variant is reported in 0.014% of alleles in individuals of Latino descent in gnomAD. Frameshift variants in TTPA are expected to be pathogenic. This variant is interpreted as pathogenic.

3billion
Classification: Pathogenic for Familial isolated deficiency of vitamin E. Last evaluated: 2025-10-24. Review status: criteria provided, single submitter. Criteria: ACMG Guidelines, 2015. Collection method: clinical testing. Allele origin: germline. Affected: yes.
Comment: The variant is observed at an extremely low frequency in the gnomAD v4.1.0 dataset (total allele frequency: 0.003%). Predicted Consequence/Location: Frameshift: predicted to result in a loss or disruption of normal protein function through protein truncation. The predicted truncated protein may be shortened by more than 10%. The variant has been reported to be in trans with a pathogenic variant as either compound heterozygous or homozygous in at least one similarly affected unrelated individual (PMID: 26068213). The variant has been reported at least twice as pathogenic with clinical assertions and evidence for the classification (ClinVar ID: VCV000009136 /PMID: 7719340 /3billion dataset). Therefore, this variant is classified as Pathogenic according to the recommendation of ACMG/AMP guideline.

Natera, Inc.
Classification: Pathogenic for Ataxia with isolated vitamin E deficiency. Last evaluated: 2025-08-29. Review status: criteria provided, single submitter. Criteria: Natera Variant Classification Schema (03/2026). Collection method: clinical testing. Allele origin: germline.
Comment: The c.744delA variant in TTPA is a frameshift variant predicted to shift the reading frame beginning at codon 249 and leads to a stop codon 15 codons downstream. This variant is expected to result in nonsense mediated decay, truncation, or a dysfunctional protein product. This variant is rare in the general population with a frequency below the threshold expected for the associated phenotype(s). This variant has been observed in one or more individuals affected with the associated recessive disease, as either homozygous or compound heterozygous with a second variant (PMID: 15300460). Additionally, this variant has been observed to segregate in affected family members (PMID: 15300460). Given the available evidence, this variant is classified as Pathogenic.

First Genomix Gene Laboratory, Genetic Diagnostics Department
Classification: Pathogenic for Familial isolated deficiency of vitamin E. Last evaluated: 2025-08-05. Review status: criteria provided, single submitter. Criteria: ACMG Guidelines, 2015. Collection method: clinical testing. Allele origin: germline. Inheritance: Autosomal recessive inheritance. Affected: no. Observed: 1 variant allele.

Labcorp Genetics (formerly Invitae), Labcorp
Classification: Pathogenic. Last evaluated: 2025-06-08. Review status: criteria provided, single submitter. Criteria: Invitae Variant Classification Sherloc (09022015). Collection method: clinical testing. Allele origin: germline.
Comment: This sequence change creates a premature translational stop signal (p.Glu249Asnfs*15) in the TTPA gene. While this is not anticipated to result in nonsense mediated decay, it is expected to disrupt the last 30 amino acid(s) of the TTPA protein. This variant is present in population databases (rs397515377, gnomAD 0.01%). This premature translational stop signal has been observed in individuals with ataxia with isolated vitamin E deficiency (PMID: 26068213). ClinVar contains an entry for this variant (Variation ID: 9136). Experimental studies and prediction algorithms are not available or were not evaluated, and the functional significance of this variant is currently unknown. Algorithms developed to predict the effect of sequence changes on RNA splicing suggest that this variant may disrupt the consensus splice site. For these reasons, this variant has been classified as Pathogenic.

GeneDx
Classification: Pathogenic. Last evaluated: 2025-04-22. Review status: criteria provided, single submitter. Criteria: GeneDx Variant Classification Process June 2021. Collection method: clinical testing. Allele origin: germline. Affected: yes.
Comment: Frameshift variant predicted to result in abnormal protein length as the last 30 amino acids are replaced with 14 different amino acids, and other similar variants have been reported in HGMD; This variant is associated with the following publications: (PMID: 7719340, 26068213, 24369383, 29482223, 31589614, 38105315, 20301419, 38109176)

CeGaT Center for Human Genetics Tuebingen
Classification: Pathogenic. Last evaluated: 2024-10-01. Review status: criteria provided, single submitter. Criteria: CeGaT Center For Human Genetics Tuebingen Variant Classification Criteria Version 2. Collection method: clinical testing. Allele origin: germline. Affected: yes. Observed: 2 variant alleles.
Comment: TTPA: PP1:Strong, PM2, PM3, PVS1:Moderate

Revvity Omics, Revvity
Classification: Pathogenic for Familial isolated deficiency of vitamin E. Last evaluated: 2024-09-12. Review status: criteria provided, single submitter. Criteria: ACMG Guidelines, 2015. Collection method: clinical testing. Allele origin: germline.

Blueprint Genetics
Classification: Pathogenic for TTPA-related disorders. Last evaluated: 2024-09-03. Review status: criteria provided, single submitter. Criteria: ACMG Guidelines, 2015. Collection method: clinical testing. Allele origin: germline. Affected: yes. Observed: 5 variant alleles.

Fulgent Genetics
Classification: Pathogenic for Familial isolated deficiency of vitamin E. Last evaluated: 2024-05-01. Review status: criteria provided, single submitter. Criteria: ACMG Guidelines, 2015. Collection method: clinical testing. Allele origin: germline.

Myriad Genetics, Inc.
Classification: Pathogenic for Familial isolated deficiency of vitamin E. Last evaluated: 2019-12-09. Review status: criteria provided, single submitter. Criteria: Myriad Women's Health Autosomal Recessive and X-Linked Classification Criteria (2019). Collection method: clinical testing. Allele origin: unknown.
Comment: NM_000370.3(TTPA):c.744delA(aka E249Nfs*15) is classified as pathogenic in the context of ataxia with vitamin E deficiency. Sources cited for classification include the following: PMID 7719340, 12039660, 9463307 and 15953402. Classification of NM_000370.3(TTPA):c.744delA(aka E249Nfs*15) is based on the following criteria: The variant causes a premature termination codon that is not expected to be targeted by nonsense-mediated mRNA decay; however, literature evidence strongly supports pathogenicity. Please note: this variant was assessed in the context of healthy population screening.

Women's Health and Genetics/Laboratory Corporation of America, LabCorp
Classification: Pathogenic for Familial isolated deficiency of vitamin E. Last evaluated: 2017-04-24. Review status: criteria provided, single submitter. Criteria: LabCorp Variant Classification Summary - May 2015. Collection method: clinical testing. Allele origin: germline.
Comment: Variant summary: The TTPA c.744delA (p.Glu249Asnfs) variant results in a premature termination codon, predicted to cause a truncated or absent TTPA protein due to nonsense mediated decay, which are commonly known mechanisms for disease. One in silico tool predicts a damaging outcome for this variant. This variant was found in the large control database ExAC at a frequency of 0.000099 (12/121224 control chromosomes), which does not exceed the estimated maximal expected allele frequency of a pathogenic TTPA variant (0.0020412). The variant has been reported in over 100 patients of Tunisian and Algerian descent who were homozygous for the variant (Euch-Fayache_2014; Hamza_2015). Addtionally, the variant segregated with disease in several consanguineous families, providing strong evidence of pathogenicity. In addition, multiple clinical diagnostic laboratories/reputable databases classified this variant as pathogenic. Taken together, this variant is classified as pathogenic.

Equipe Genetique des Anomalies du Developpement, Université de Bourgogne
Classification: Pathogenic for Familial isolated deficiency of vitamin E. Last evaluated: 2015-01-01. Review status: criteria provided, single submitter. Criteria: ACMG Guidelines, 2007. Collection method: clinical testing. Allele origin: inherited. Affected: yes.

OMIM
Classification: Pathogenic for ATAXIA, FRIEDREICH-LIKE, WITH ISOLATED VITAMIN E DEFICIENCY. Last evaluated: 1995-02-01. Review status: no assertion criteria provided. Collection method: literature only. Allele origin: germline. Not counted in ClinVar's aggregate classification.

GeneReviews
No classification provided. Condition: Familial isolated deficiency of vitamin E. Review status: no classification provided. Collection method: literature only. Allele origin: unknown. Not counted in ClinVar's aggregate classification.

Literature cited by the submitters: PubMed 26068213 (cited by 3 submitters); PubMed 7719340 (cited by 3 submitters); PubMed 15300460 (cited by Natera, Inc.); PubMed 12039660 (cited by Myriad Genetics, Inc.); PubMed 9463307 (cited by Myriad Genetics, Inc. and GeneReviews); PubMed 15953402 (cited by Myriad Genetics, Inc.); PubMed 24369383 (cited by Women's Health and Genetics/Laboratory Corporation of America, LabCorp); PubMed 20301419 (cited by GeneReviews); NCBI Bookshelf NBK1241 (cited by GeneReviews).

NM_000370.3(TTPA):c.744del (p.Glu249fs)

Gene: TTPA (alpha tocopherol transfer protein; minus strand). Cytogenetic location: 8q12.3.
Variant type: Deletion.
Coding change: c.744del on transcript NM_000370.3 (MANE Select); coding-DNA position 744, one base deleted (A; older notation c.744delA).
Protein change: p.Glu249fs; shifts the reading frame from glutamic acid 249.
Molecular consequence: frameshift variant.
Genome position (GRCh38, 1-based): chr8:63,061,345, T deleted on the plus strand (A on the coding strand, the reverse complement: TTPA is on the minus strand); the first of 2 consecutive T bases (chr8:63,061,345-63,061,346); deleting either gives the same sequence. VCF-style (leftmost placement, unchanged base first): chr8-63061344-CT-C. GRCh37 (hg19) VCF-style: chr8-63973903-CT-C.
Other names: c.744delA (NM_000370.3, NM_000370.2); c.744del (NM_000370.2); short protein forms E249fs.
Identifiers: ClinVar variation 9136 (VCV000009136.49), dbSNP rs397515377, ClinGen allele CA120134.